The following is an entry in ClinVar:

ClinVar aggregate classification (germline): Likely pathogenic (1 of 4 stars; one submission).

gnomAD v4.1: 2 of 1,613,796 alleles (0.00012%); highest among the groups gnomAD compares: African/African-American, 0.0013%; no homozygotes.

Submission:

Labcorp Genetics (formerly Invitae), Labcorp
Classification: Likely pathogenic. Last evaluated: 2024-11-19. Review status: criteria provided, single submitter. Criteria: Invitae Variant Classification Sherloc (09022015). Collection method: clinical testing. Allele origin: germline.
Comment: This sequence change affects a donor splice site in intron 3 of the TYRP1 gene. It is expected to disrupt RNA splicing. Variants that disrupt the donor or acceptor splice site typically lead to a loss of protein function (PMID: 16199547), and loss-of-function variants in TYRP1 are known to be pathogenic (PMID: 8651291, 9345097). This variant is not present in population databases (gnomAD no frequency). This variant has not been reported in the literature in individuals affected with TYRP1-related conditions. Algorithms developed to predict the effect of sequence changes on RNA splicing suggest that this variant may disrupt the consensus splice site. In summary, the currently available evidence indicates that the variant is pathogenic, but additional data are needed to prove that conclusively. Therefore, this variant has been classified as Likely Pathogenic.

Literature cited by the submitters: PubMed 16199547; PubMed 8651291; PubMed 9345097.

NM_000550.3(TYRP1):c.708+2T>A

Gene: TYRP1 (tyrosinase related protein 1; plus strand). Cytogenetic location: 9p23.
Variant type: single nucleotide variant.
Coding change: c.708+2T>A on transcript NM_000550.3 (MANE Select); the canonical splice donor site of the intron after coding-DNA position 708, T replaced by A.
Molecular consequence: splice donor variant.
Genome position (GRCh38, 1-based): chr9:12,695,839, T>A. VCF-style: chr9-12695839-T-A. GRCh37 (hg19) VCF-style: chr9-12695839-T-A.
Identifiers: ClinVar variation 3725666 (VCV003725666.2).
Genomic context (GRCh38, chr9:12,695,839, plus strand): 5'-GACCAGCTTTTCTCACATGGCACAGGTACCACCTCCTGCGTCTGGAGAAAGACATGCAGG[T>A]ATGTAAGAAGCATTTCAGTTTGCAGACTCTTTACAGACAAGATGCCTTGTTTGTAAGTGA-3'